The following is an entry in ClinVar:

ClinVar aggregate classification (germline): Uncertain significance (1 of 4 stars; one submission).

Allele frequency attached by ClinVar (database versions not stated): gnomAD 0.00001; gnomAD exomes 0.00002.
gnomAD v4.1: 5 of 398,322 alleles (0.0013%); highest among the groups gnomAD compares: Admixed American, 0.0044%; no homozygotes.

Submission:

CeGaT Center for Human Genetics Tuebingen
Classification: Uncertain significance. Last evaluated: 2023-09-01. Review status: criteria provided, single submitter. Criteria: CeGaT Center For Human Genetics Tuebingen Variant Classification Criteria Version 2. Collection method: clinical testing. Allele origin: germline. Affected: yes. Observed: 1 variant allele.
Comment: KCNQ1OT1: PM2

NM_000218.3(KCNQ1):c.1393+35891C>T

Genes: KCNQ1 (potassium voltage-gated channel subfamily Q member 1; plus strand), KCNQ1OT1 (KCNQ1 opposite strand/antisense transcript 1; minus strand). Cytogenetic location: 11p15.5.
Variant type: single nucleotide variant.
Coding change: c.1393+35891C>T on transcript NM_000218.3 (MANE Select); 35891 bases into the intron after coding-DNA position 1393, C replaced by T.
Molecular consequence: intron variant. On other transcripts: non-coding transcript variant (1).
Genome position (GRCh38, 1-based): chr11:2,624,745, C>T. VCF-style: chr11-2624745-C-T. GRCh37 (hg19) VCF-style: chr11-2645975-C-T.
Other names: c.1123+35891C>T (NM_001406837.1); c.1297+35891C>T (NM_001406836.1); c.853+35891C>T (NM_001406838.1); c.1012+35891C>T (NM_181798.2).
Identifiers: ClinVar variation 2641392 (VCV002641392.24), dbSNP rs1193281304, ClinGen allele CA472135583.